The following is an entry in ClinVar:

ClinVar aggregate classification (germline): Pathogenic (1 of 4 stars; one submission).

Conditions:
Meckel-Gruber syndrome. Also called: DYSENCEPHALIA SPLANCHNOCYSTICA; GRUBER SYNDROME; Dysencephalia splachnocystica. Identifiers: Orphanet 564, MedGen C0265215, MONDO:0018921.
Joubert syndrome. Also called: CEREBELLOPARENCHYMAL DISORDER IV; JOUBERT-BOLTSHAUSER SYNDROME; Familial aplasia of the vermis. Identifiers: Orphanet 475, MedGen C5979921, MONDO:0018772.

Submission:

Labcorp Genetics (formerly Invitae), Labcorp
Classification: Pathogenic for Joubert syndrome; Meckel-Gruber syndrome. Last evaluated: 2021-05-27. Review status: criteria provided, single submitter. Criteria: Invitae Variant Classification Sherloc (09022015). Collection method: clinical testing. Allele origin: germline.
Comment: For these reasons, this variant has been classified as Pathogenic. Loss-of-function variants in RPGRIP1L are known to be pathogenic (PMID: 17558409). This variant has not been reported in the literature in individuals with RPGRIP1L-related conditions. This variant is not present in population databases (ExAC no frequency). This sequence change creates a premature translational stop signal (p.Phe822Leufs*27) in the RPGRIP1L gene. It is expected to result in an absent or disrupted protein product.

Literature cited by the submitters: PubMed 17558409.

NM_015272.5(RPGRIP1L):c.2466del (p.Phe822fs)

Gene: RPGRIP1L (RPGRIP1 like; minus strand). Cytogenetic location: 16q12.2.
Variant type: Deletion.
Coding change: c.2466del on transcript NM_015272.5 (MANE Select); coding-DNA position 2466, one base deleted (T; older notation c.2466delT).
Protein change: p.Phe822fs; shifts the reading frame from phenylalanine 822.
Molecular consequence: frameshift variant.
Genome position (GRCh38, 1-based): chr16:53,645,842, A deleted on the plus strand (T on the coding strand, the reverse complement: RPGRIP1L is on the minus strand); the first of 4 consecutive A bases (chr16:53,645,842-53,645,845); deleting any one gives the same sequence. VCF-style (leftmost placement, unchanged base first): chr16-53645841-CA-C. GRCh37 (hg19) VCF-style: chr16-53679753-CA-C.
Other names: c.2466del, p.Phe822fs (NM_001127897.4, NM_001308334.3, NM_001330538.2); short protein forms F822fs.
Identifiers: ClinVar variation 844309 (VCV000844309.8), dbSNP rs1966507642, ClinGen allele CA916083492.
Genomic context (GRCh38, chr16:53,645,841, plus strand): 5'-ACATATGATCATCAAACTGTGGATCATTGCTACTGGGAATGATAGCTGTATCATGGTCTG[CA>C]AAATCAAAAAACTTGTACACAACATATGGGTGTGGCTGCAGGTGGCTTGCTCGGGACTGC-3'